The following is an entry in ClinVar:

ClinVar aggregate classification (germline): Likely benign (1 of 4 stars; one submission).

gnomAD v4.1: 511 of 416,268 alleles (0.12%); highest among the groups gnomAD compares: Middle Eastern, 0.49%; 3 homozygotes.

Submission:

CeGaT Center for Human Genetics Tuebingen
Classification: Likely benign. Last evaluated: 2026-06-01. Review status: criteria provided, single submitter. Criteria: CeGaT Center For Human Genetics Tuebingen Variant Classification Criteria Version 2. Collection method: clinical testing. Allele origin: germline. Affected: yes. Observed: 1 variant allele.
Comment: PLEKHJ1: BS2

NM_001300836.3(PLEKHJ1):c.682G>A (p.Glu228Lys)

Genes: DOT1L (DOT1 like histone lysine methyltransferase; plus strand), PLEKHJ1 (pleckstrin homology domain containing J1; minus strand). Cytogenetic location: 19p13.3.
Variant type: single nucleotide variant.
Coding change: c.682G>A on transcript NM_001300836.3; coding-DNA position 682, G replaced by A.
Protein change: p.Glu228Lys; replaces glutamic acid 228 with lysine.
Molecular consequence: missense variant. On other transcripts: 3 prime UTR variant (2).
Genome position (GRCh38, 1-based): chr19:2,230,315, C>T on the plus strand (G>A on the coding strand, the complement: PLEKHJ1 is on the minus strand). VCF-style: chr19-2230315-C-T. GRCh37 (hg19) VCF-style: chr19-2230314-C-T.
Other names: c.*1968C>T (NM_001411141.1); c.*523C>T (NM_032482.3); short protein forms E228K.
Identifiers: ClinVar variation 4872435 (VCV004872435.2).